The following is an entry in ClinVar:

NM_001734.5(C1S):c.1195+1G>A

Gene: C1S (complement C1s; plus strand). Cytogenetic location: 12p13.31.
Variant type: single nucleotide variant.
Coding change: c.1195+1G>A on transcript NM_001734.5 (MANE Select); the canonical splice donor site of the intron after coding-DNA position 1195, G replaced by A.
Molecular consequence: splice donor variant.
Genome position (GRCh38, 1-based): chr12:7,067,772, G>A. VCF-style: chr12-7067772-G-A. GRCh37 (hg19) VCF-style: chr12-7175076-G-A.
Other names: c.1195+1G>A (NM_201442.4); c.694+1G>A (NM_001346850.2).
Identifiers: ClinVar variation 3617365 (VCV003617365.2).

ClinVar aggregate classification (germline): Likely pathogenic (1 of 4 stars; one submission).

Submission:

Labcorp Genetics (formerly Invitae), Labcorp
Classification: Likely pathogenic. Last evaluated: 2024-03-23. Review status: criteria provided, single submitter. Criteria: Invitae Variant Classification Sherloc (09022015). Collection method: clinical testing. Allele origin: germline.
Comment: This sequence change affects a donor splice site in intron 10 of the C1S gene. It is expected to disrupt RNA splicing. Variants that disrupt the donor or acceptor splice site typically lead to a loss of protein function (PMID: 16199547), and loss-of-function variants in C1S are known to be pathogenic (PMID: 18062908). This variant is not present in population databases (gnomAD no frequency). This variant has not been reported in the literature in individuals affected with C1S-related conditions. Algorithms developed to predict the effect of sequence changes on RNA splicing suggest that this variant may disrupt the consensus splice site. In summary, the currently available evidence indicates that the variant is pathogenic, but additional data are needed to prove that conclusively. Therefore, this variant has been classified as Likely Pathogenic.

Literature cited by the submitters: PubMed 16199547; PubMed 18062908.